The following is an entry in ClinVar:

ClinVar aggregate classification (germline): Uncertain significance (1 of 4 stars; one submission).

Conditions:
Neurodevelopmental disorder with eye movement abnormalities and ataxia. Identifiers: MedGen C5774241, MONDO:0859305, OMIM 620094.

Submission:

Institute of Human Genetics, University of Goettingen
Classification: Uncertain significance for Neurodevelopmental disorder with eye movement abnormalities and ataxia. Last evaluated: 2023-02-16. Review status: criteria provided, single submitter. Criteria: ACMG Guidelines, 2015. Collection method: clinical testing. Allele origin: de novo. Inheritance: Sporadic. Observed: 1 heterozygote.
Comment: The variant c.285G>C (p.(Lys95Asn)) in exon 4 of the FRMD5-gene is not found in the gnomAD database, it affects a weakly conserved nucleotide, a highly conserved amino acid within a protein domain and there is a moderate physicochemical difference between Lys and Asn. ACMG criteria used for classification: PM2, PM6, PP3.

NM_032892.5(FRMD5):c.285G>C (p.Lys95Asn)

Gene: FRMD5 (FERM domain containing 5; minus strand). Cytogenetic location: 15q15.3.
Variant type: single nucleotide variant.
Coding change: c.285G>C on transcript NM_032892.5 (MANE Select); coding-DNA position 285, G replaced by C.
Protein change: p.Lys95Asn; replaces lysine 95 with asparagine.
Molecular consequence: missense variant. On other transcripts: 5 prime UTR variant (1), non-coding transcript variant (1).
Genome position (GRCh38, 1-based): chr15:43,919,503, C>G on the plus strand (G>C on the coding strand, the complement: FRMD5 is on the minus strand). VCF-style: chr15-43919503-C-G. GRCh37 (hg19) VCF-style: chr15-44211701-C-G.
Other names: c.285G>C, p.Lys95Asn (NM_001031729.1, NM_001322949.2, NM_001322950.2 and 1 more transcripts); c.18G>C, p.Lys6Asn (NM_001286490.2); c.-737G>C (NM_001286491.2); c.180G>C, p.Lys60Asn (NM_001322951.2); short protein forms K60N, K6N, K95N.
Identifiers: ClinVar variation 2430113 (VCV002430113.2), dbSNP rs2508629949, ClinGen allele CA392199725.